The following is an entry in ClinVar:

ClinVar aggregate classification (germline): Uncertain significance (1 of 4 stars; one submission).

gnomAD v4.1: 1 of 1,613,746 alleles (0.000062%); highest among the groups gnomAD compares: Non-Finnish European, 0.000085%; no homozygotes.

Submission:

Ambry Genetics
Classification: Uncertain significance. Last evaluated: 2026-06-16. Review status: criteria provided, single submitter. Criteria: Ambry Variant Classification Scheme 2023. Collection method: clinical testing. Allele origin: germline.
Comment: The p.Q426E variant (also known as c.1276C>G), located in coding exon 8 of the RNF43 gene, results from a C to G substitution at nucleotide position 1276. The glutamine at codon 426 is replaced by glutamic acid, an amino acid with highly similar properties. This amino acid position is conserved. In addition, this alteration is predicted to be tolerated by in silico analysis. Based on the available evidence, the clinical significance of this variant remains unclear.

NM_017763.6(RNF43):c.1276C>G (p.Gln426Glu)

Gene: RNF43 (ring finger protein 43; minus strand). Cytogenetic location: 17q22.
Variant type: single nucleotide variant.
Coding change: c.1276C>G on transcript NM_017763.6 (MANE Select); coding-DNA position 1276, C replaced by G.
Protein change: p.Gln426Glu; replaces glutamine 426 with glutamic acid.
Molecular consequence: missense variant.
Genome position (GRCh38, 1-based): chr17:58,358,500, G>C on the plus strand (C>G on the coding strand, the complement: RNF43 is on the minus strand). VCF-style: chr17-58358500-G-C. GRCh37 (hg19) VCF-style: chr17-56435861-G-C.
Other names: c.1276C>G, p.Gln426Glu (NM_001305544.3, NM_001438820.1, NM_001438821.1 and 1 more transcripts); c.895C>G, p.Gln299Glu (NM_001305545.2, NM_001437987.1); short protein forms Q299E, Q426E.
Identifiers: ClinVar variation 5028315 (VCV005028315.1).